The following is an entry in ClinVar:

NM_001048174.2(MUTYH):c.632_637delinsCAGCTGCT (p.Val211fs)

Gene: MUTYH (mutY DNA glycosylase; minus strand). Cytogenetic location: 1p34.1.
Variant type: Indel.
Coding change: c.632_637delinsCAGCTGCT on transcript NM_001048174.2 (MANE Select); coding-DNA positions 632 to 637, TAGCAC replaced by CAGCTGCT.
Protein change: p.Val211fs; shifts the reading frame from valine 211.
Molecular consequence: frameshift variant. On other transcripts: non-coding transcript variant (2).
Genome position (GRCh38, 1-based): chr1:45,332,458-45,332,463, GTGCTA replaced by AGCAGCTG on the plus strand (TAGCAC replaced by CAGCTGCT on the coding strand, the reverse complement: MUTYH is on the minus strand). VCF-style: chr1-45332458-GTGCTA-AGCAGCTG. GRCh37 (hg19) VCF-style: chr1-45798130-GTGCTA-AGCAGCTG.
Other names: c.716_721delTAGCACinsCAGCTGCT (NM_001128425.1); c.632_637delinsCAGCTGCT, p.Val211fs (NM_001048171.2, NM_001048173.2, NM_001293195.2); c.635_640delinsCAGCTGCT, p.Val212fs (NM_001048172.2); c.716_721delinsCAGCTGCT, p.Val239fs (NM_001128425.2); c.677_682delinsCAGCTGCT, p.Val226fs (NM_001293190.2); c.665_670delinsCAGCTGCT, p.Val222fs (NM_001293191.2); c.356_361delinsCAGCTGCT, p.Val119fs (NM_001293192.2, NM_001293196.2); c.287_292delinsCAGCTGCT, p.Val96fs (NM_001350650.2, NM_001350651.2); and 1 more; short protein forms V211fs, V236fs, V222fs, V226fs, V119fs, V212fs, V96fs, V239fs.
Identifiers: ClinVar variation 418342 (VCV000418342.11), dbSNP rs1064793197, ClinGen allele CA16617162.
Genomic context (GRCh38, chr1:45,332,458, plus strand): 5'-GCTGGGAAACAAGGGTGCTGCTGGGATCAGCACCAATGGCTCGGACACGGCACAGCACCC[GTGCTA>AGCAGCTG]CGTTGCCATCCACCACACCGGTTGCCTGGCACAGAGGGGCCAAAGAGTTAGCCTGGGCTG-3'

ClinVar aggregate classification (germline): Pathogenic. Review status: criteria provided, multiple submitters, no conflicts (2 of 4 stars). 3 submissions from 3 submitters: Pathogenic (3). Last evaluated 2024-12-02.

Conditions:
Hereditary cancer-predisposing syndrome. Also called: Tumor predisposition; Hereditary Cancer Syndrome; Hereditary neoplastic syndrome; Neoplastic Syndromes, Hereditary. Identifiers: Orphanet 140162, MedGen C0027672, MeSH D009386, MONDO:0015356.
Familial adenomatous polyposis 2. Also called: COLORECTAL ADENOMATOUS POLYPOSIS, AUTOSOMAL RECESSIVE; MUTYH Polyposis; MUTYH-associated polyposis; MUTYH-related attenuated familial adenomatous polyposis; Adenomas, multiple colorectal; ADENOMAS, MULTIPLE COLORECTAL, AUTOSOMAL RECESSIVE. Identifiers: Orphanet 220460, Orphanet 247798, MedGen C3272841, MONDO:0012041, OMIM 608456.

Submissions (3):

Ambry Genetics
Classification: Pathogenic for Hereditary cancer-predisposing syndrome. Last evaluated: 2024-12-02. Review status: criteria provided, single submitter. Criteria: Ambry Variant Classification Scheme 2023. Collection method: clinical testing. Allele origin: germline.
Comment: The c.716_721delTAGCACinsCAGCTGCT pathogenic mutation, located in coding exon 9 of the MUTYH gene, results from the deletion of 6 nucleotides and insertion of 8 nucleotides causing a translational frameshift with a predicted alternate stop codon (p.V239Afs*28). This mutation was observed in a cohort of patients with biallelic MUTYH mutations (Sutcliffe EG et al. Fam. Cancer 2019 04;18:203-209). This variant is considered to be rare based on population cohorts in the Genome Aggregation Database (gnomAD). In addition to the clinical data presented in the literature, this alteration is expected to result in loss of function by premature protein truncation or nonsense-mediated mRNA decay. As such, this alteration is interpreted as a disease-causing mutation.

Labcorp Genetics (formerly Invitae), Labcorp
Classification: Pathogenic for Familial adenomatous polyposis 2. Last evaluated: 2018-09-20. Review status: criteria provided, single submitter. Criteria: Invitae Variant Classification Sherloc (09022015). Collection method: clinical testing. Allele origin: germline.
Comment: This sequence change creates a premature translational stop signal (p.Val239Alafs*28) in the MUTYH gene. It is expected to result in an absent or disrupted protein product. This variant is not present in population databases (ExAC no frequency). This variant has not been reported in the literature in individuals with MUTYH-related disease. Loss-of-function variants in MUTYH are known to be pathogenic (PMID: 18534194, 20663686). For these reasons, this variant has been classified as Pathogenic.

GeneDx
Classification: Pathogenic. Last evaluated: 2017-11-22. Review status: criteria provided, single submitter. Criteria: GeneDx Variant Classification (06012015). Collection method: clinical testing. Allele origin: germline. Affected: yes.
Comment: This combined deletion and insertion is denoted MUTYH c.716_721delTAGCACinsCAGCTGCT at the cDNA level and p.Val239AlafsX28 (V239AfsX28) at the protein level. The surrounding sequence is AACG[delTAGCACinsCAGCTGCT]GGGT. The variant causes a frameshift, which changes a Valine to an Alanine at codon 239, and creates a premature stop codon at position 28 of the new reading frame. Although this variant has not, to our knowledge, been reported in the literature, it is predicted to cause loss of normal protein function through either protein truncation or nonsense-mediated mRNA decay. Based on currently available evidence, we consider this to be a likely pathogenic variant.

Literature cited by the submitters: PubMed 30604180 (cited by Ambry Genetics); PubMed 18534194 (cited by Labcorp Genetics (formerly Invitae), Labcorp); PubMed 20663686 (cited by Labcorp Genetics (formerly Invitae), Labcorp).